The following is an entry in ClinVar:

NM_015450.3(POT1):c.1023G>C (p.Gln341His)

Gene: POT1 (protection of telomeres 1; minus strand). Cytogenetic location: 7q31.33.
Variant type: single nucleotide variant.
Coding change: c.1023G>C on transcript NM_015450.3 (MANE Select); coding-DNA position 1023, G replaced by C.
Protein change: p.Gln341His; replaces glutamine 341 with histidine.
Molecular consequence: missense variant. On other transcripts: non-coding transcript variant (3).
Genome position (GRCh38, 1-based): chr7:124,842,947, C>G on the plus strand (G>C on the coding strand, the complement: POT1 is on the minus strand). VCF-style: chr7-124842947-C-G. GRCh37 (hg19) VCF-style: chr7-124483001-C-G.
Other names: c.630G>C, p.Gln210His (NM_001042594.2); c.1023G>C (NM_015450.2); short protein forms Q341H, Q210H.
Identifiers: ClinVar variation 2882426 (VCV002882426.4), dbSNP rs147003926, ClinGen allele CA369068609.

ClinVar aggregate classification (germline): Uncertain significance. Review status: criteria provided, multiple submitters, no conflicts (2 of 4 stars). 2 submissions from 2 submitters: Uncertain significance (2). Last evaluated 2023-10-06.

Conditions:
Hereditary cancer-predisposing syndrome. Also called: Tumor predisposition; Hereditary neoplastic syndrome; Hereditary Cancer Syndrome; Neoplastic Syndromes, Hereditary. Identifiers: Orphanet 140162, MedGen C0027672, MeSH D009386, MONDO:0015356.
Tumor predisposition syndrome 3 (TPDS3). Also called: LONG TELOMERE SYNDROME, POT1-RELATED; POT1 Tumor Predisposition; Melanoma, cutaneous malignant, susceptibility to, 10; Glioma susceptibility 9. Identifiers: Orphanet 618, MedGen C4014476, MONDO:0014368, OMIM 615848.

Submissions (2):

Ambry Genetics
Classification: Uncertain significance for Hereditary cancer-predisposing syndrome. Last evaluated: 2023-10-06. Review status: criteria provided, single submitter. Criteria: Ambry Variant Classification Scheme 2023. Collection method: clinical testing. Allele origin: germline.
Comment: The p.Q341H variant (also known as c.1023G>C), located in coding exon 9 of the POT1 gene, results from a G to C substitution at nucleotide position 1023. The glutamine at codon 341 is replaced by histidine, an amino acid with highly similar properties. This amino acid position is conserved. In addition, this alteration is predicted to be tolerated by in silico analysis. Since supporting evidence is limited at this time, the clinical significance of this alteration remains unclear.

Labcorp Genetics (formerly Invitae), Labcorp
Classification: Uncertain significance for Tumor predisposition syndrome 3. Last evaluated: 2023-05-02. Review status: criteria provided, single submitter. Criteria: Invitae Variant Classification Sherloc (09022015). Collection method: clinical testing. Allele origin: germline.
Comment: This sequence change replaces glutamine, which is neutral and polar, with histidine, which is basic and polar, at codon 341 of the POT1 protein (p.Gln341His). This variant is not present in population databases (gnomAD no frequency). This variant has not been reported in the literature in individuals affected with POT1-related conditions. Advanced modeling of protein sequence and biophysical properties (such as structural, functional, and spatial information, amino acid conservation, physicochemical variation, residue mobility, and thermodynamic stability) performed at Invitae indicates that this missense variant is not expected to disrupt POT1 protein function. In summary, the available evidence is currently insufficient to determine the role of this variant in disease. Therefore, it has been classified as a Variant of Uncertain Significance.